The following is an entry in ClinVar:

ClinVar aggregate classification (germline): Pathogenic (1 of 4 stars; one submission).

Conditions:
Duchenne muscular dystrophy (DMD). Also called: Duchenne Muscular Dystrophy (DMD); MUSCULAR DYSTROPHY, PSEUDOHYPERTROPHIC PROGRESSIVE, DUCHENNE TYPE. Identifiers: Orphanet 98896, MedGen C0013264, MONDO:0010679, OMIM 310200.

Submission:

Labcorp Genetics (formerly Invitae), Labcorp
Classification: Pathogenic for Duchenne muscular dystrophy. Last evaluated: 2022-09-20. Review status: criteria provided, single submitter. Criteria: Invitae Variant Classification Sherloc (09022015). Collection method: clinical testing. Allele origin: germline.
Comment: For these reasons, this variant has been classified as Pathogenic. A similar copy number variant has been observed in individuals with Duchenne muscular dystrophy (PMID: 21515508, 31705731). This variant results in a copy number gain of the genomic region encompassing exon(s) 45-54 of the DMD gene. While the exact position of this variant cannot be determined from the data, sub-genic copy number gains are generally in tandem (PMID: 25640679). This variant is predicted to be out-of-frame, and may result in an absent or disrupted protein product. Loss-of-function variants in DMD are known to be pathogenic (PMID: 16770791, 25007885).

Literature cited by the submitters: PubMed 21515508; PubMed 31705731; PubMed 25640679; PubMed 16770791; PubMed 25007885.

NC_000023.10:g.(?_31676087)_(31986651_?)dup

Gene: DMD (dystrophin; minus strand). Cytogenetic location: Xp21.1.
Variant type: Duplication.
Identifiers: ClinVar variation 2424973 (VCV002424973.5).